The following is an entry in ClinVar:

ClinVar aggregate classification (germline): Uncertain significance. Review status: criteria provided, multiple submitters, no conflicts (2 of 4 stars). 2 submissions from 2 submitters: Uncertain significance (2). Last evaluated 2025-12-16.

Conditions:
EHHADH-related disorder. Also called: EHHADH-related condition.

gnomAD v4.1: 14 of 1,614,242 alleles (0.00087%); highest among the groups gnomAD compares: African/African-American, 0.017%; no homozygotes.

Submissions (2):

PreventionGenetics, part of Exact Sciences
Classification: Uncertain significance for EHHADH-related condition. Last evaluated: 2025-12-16. Review status: criteria provided, single submitter. Criteria: ACMG Guidelines, 2015. Collection method: clinical testing. Allele origin: germline.
Comment: The EHHADH c.718G>C variant is predicted to result in the amino acid substitution p.Ala240Pro. To our knowledge, this variant has not been reported in the literature. This variant is reported in 0.012% of alleles in individuals of African descent in gnomAD. At this time, the clinical significance of this variant is uncertain due to the absence of conclusive functional and genetic evidence.

Ambry Genetics
Classification: Uncertain significance. Last evaluated: 2025-08-25. Review status: criteria provided, single submitter. Criteria: Ambry Variant Classification Scheme 2023. Collection method: clinical testing. Allele origin: germline.

NM_001966.4(EHHADH):c.718G>C (p.Ala240Pro)

Gene: EHHADH (enoyl-CoA hydratase and 3-hydroxyacyl CoA dehydrogenase; minus strand). Cytogenetic location: 3q27.2.
Variant type: single nucleotide variant.
Coding change: c.718G>C on transcript NM_001966.4 (MANE Select); coding-DNA position 718, G replaced by C.
Protein change: p.Ala240Pro; replaces alanine 240 with proline.
Molecular consequence: missense variant.
Genome position (GRCh38, 1-based): chr3:185,204,608, C>G on the plus strand (G>C on the coding strand, the complement: EHHADH is on the minus strand). VCF-style: chr3-185204608-C-G. GRCh37 (hg19) VCF-style: chr3-184922396-C-G.
Other names: c.430G>C, p.Ala144Pro (NM_001166415.2); short protein forms A240P, A144P.
Identifiers: ClinVar variation 4247567 (VCV004247567.2).